The following is an entry in ClinVar:

NM_005271.5(GLUD1):c.949A>G (p.Met317Val)

Gene: GLUD1 (glutamate dehydrogenase 1; minus strand). Cytogenetic location: 10q23.2.
Variant type: single nucleotide variant.
Coding change: c.949A>G on transcript NM_005271.5 (MANE Select); coding-DNA position 949, A replaced by G.
Protein change: p.Met317Val; replaces methionine 317 with valine.
Molecular consequence: missense variant.
Genome position (GRCh38, 1-based): chr10:87,061,025, T>C on the plus strand (A>G on the coding strand, the complement: GLUD1 is on the minus strand). VCF-style: chr10-87061025-T-C. GRCh37 (hg19) VCF-style: chr10-88820782-T-C.
Other names: c.550A>G, p.Met184Val (NM_001318900.1); c.448A>G, p.Met150Val (NM_001318901.1, NM_001318902.1, NM_001318904.2 and 2 more transcripts); short protein forms M317V, M150V, M184V.
Identifiers: ClinVar variation 3100388 (VCV003100388.2), dbSNP rs1167089639, ClinGen allele CA377467803.

ClinVar aggregate classification (germline): Conflicting classifications of pathogenicity. Review status: criteria provided, conflicting classifications (1 of 4 stars). 2 submissions from 2 submitters: Uncertain significance (1); Likely benign (1). Last evaluated 2024-12-19.

Conditions:
Inborn genetic diseases. Identifiers: MedGen C0950123, MeSH D030342.

Allele frequency attached by ClinVar (database versions not stated): TOPMed 0.00012; gnomAD 0.00015; gnomAD exomes 0.00001.
gnomAD v4.1: 38 of 1,613,764 alleles (0.0024%); highest among the groups gnomAD compares: Admixed American, 0.058%; 1 homozygote.

Submissions (2):

GeneDx
Classification: Uncertain significance. Last evaluated: 2024-12-19. Review status: criteria provided, single submitter. Criteria: GeneDx Variant Classification Process June 2021. Collection method: clinical testing. Allele origin: germline. Affected: yes.
Comment: In silico analysis indicates that this missense variant does not alter protein structure/function; Has not been previously published as pathogenic or benign to our knowledge

Ambry Genetics
Classification: Likely benign for Inborn genetic diseases. Last evaluated: 2023-10-27. Review status: criteria provided, single submitter. Criteria: Ambry Variant Classification Scheme 2023. Collection method: clinical testing. Allele origin: germline.